The following is an entry in ClinVar:

NM_005271.5(GLUD1):c.849C>A (p.Phe283Leu)

Gene: GLUD1 (glutamate dehydrogenase 1; minus strand). Cytogenetic location: 10q23.2.
Variant type: single nucleotide variant.
Coding change: c.849C>A on transcript NM_005271.5 (MANE Select); coding-DNA position 849, C replaced by A.
Protein change: p.Phe283Leu; replaces phenylalanine 283 with leucine.
Molecular consequence: missense variant.
Genome position (GRCh38, 1-based): chr10:87,062,728, G>T on the plus strand (C>A on the coding strand, the complement: GLUD1 is on the minus strand). VCF-style: chr10-87062728-G-T. GRCh37 (hg19) VCF-style: chr10-88822485-G-T.
Other names: c.450C>A, p.Phe150Leu (NM_001318900.1); c.348C>A, p.Phe116Leu (NM_001318901.1, NM_001318902.1, NM_001318904.2 and 2 more transcripts); short protein forms F116L, F150L, F283L.
Identifiers: ClinVar variation 3896645 (VCV003896645.2).

ClinVar aggregate classification (germline): Uncertain significance (1 of 4 stars; one submission).

gnomAD v4.1: 6 of 1,613,964 alleles (0.00037%); highest among the groups gnomAD compares: African/African-American, 0.008%; no homozygotes.

Submission:

Women's Health and Genetics/Laboratory Corporation of America, LabCorp
Classification: Uncertain significance. Last evaluated: 2025-04-24. Review status: criteria provided, single submitter. Criteria: LabCorp Variant Classification Summary - May 2015. Collection method: clinical testing. Allele origin: germline.
Comment: Variant summary: GLUD1 c.849C>A (p.Phe283Leu) results in a non-conservative amino acid change in the encoded protein sequence. Three of five in-silico tools predict a damaging effect of the variant on protein function. The variant allele was found at a frequency of 8e-06 in 251408 control chromosomes. The available data on variant occurrences in the general population are insufficient to allow any conclusion about variant significance. To our knowledge, no occurrence of c.849C>A in individuals affected with Congenital Hyperinsulinism and no experimental evidence demonstrating its impact on protein function have been reported. No submitters have cited clinical-significance assessments for this variant to ClinVar. Based on the evidence outlined above, the variant was classified as uncertain significance.